The following is an entry in ClinVar:

ClinVar aggregate classification (germline): Uncertain significance (1 of 4 stars; one submission).

gnomAD v4.1: 2 of 1,614,054 alleles (0.00012%); highest among the groups gnomAD compares: Non-Finnish European, 0.00017%; no homozygotes.

Submission:

GeneDx
Classification: Uncertain significance. Last evaluated: 2026-03-12. Review status: criteria provided, single submitter. Criteria: GeneDx Variant Classification Process June 2021. Collection method: clinical testing. Allele origin: germline.
Comment: Not observed at significant frequency in large population cohorts (gnomAD); In silico analysis suggests that this missense variant does not alter protein structure/function; Has not been previously published as pathogenic or benign to our knowledge

NM_001204.7(BMPR2):c.542A>G (p.Gln181Arg)

Gene: BMPR2 (bone morphogenetic protein receptor type 2; plus strand). Cytogenetic location: 2q33.2.
Variant type: single nucleotide variant.
Coding change: c.542A>G on transcript NM_001204.7 (MANE Select); coding-DNA position 542, A replaced by G.
Protein change: p.Gln181Arg; replaces glutamine 181 with arginine.
Molecular consequence: missense variant.
Genome position (GRCh38, 1-based): chr2:202,514,900, A>G. VCF-style: chr2-202514900-A-G. GRCh37 (hg19) VCF-style: chr2-203379623-A-G.
Other names: short protein forms Q181R.
Identifiers: ClinVar variation 5008950 (VCV005008950.1).